The following is an entry in ClinVar:

NM_001370595.2(COA8):c.106G>T (p.Asp36Tyr)

Gene: COA8 (cytochrome c oxidase assembly factor 8; plus strand). Cytogenetic location: 14q32.33.
Variant type: single nucleotide variant.
Coding change: c.106G>T on transcript NM_001370595.2 (MANE Select); coding-DNA position 106, G replaced by T.
Protein change: p.Asp36Tyr; replaces aspartic acid 36 with tyrosine.
Molecular consequence: missense variant. On other transcripts: non-coding transcript variant (2).
Genome position (GRCh38, 1-based): chr14:103,563,107, G>T. VCF-style: chr14-103563107-G-T. GRCh37 (hg19) VCF-style: chr14-104029444-G-T.
Other names: NM_001302652.2:c.106G>T; c.106G>T, p.Asp36Tyr (NM_001302653.2, NM_001302654.2); c.145G>T, p.Asp49Tyr (NM_032374.4); short protein forms D36Y, D49Y.
Identifiers: ClinVar variation 1809698 (VCV001809698.2), dbSNP rs768347313, ClinGen allele CA7365418.

ClinVar aggregate classification (germline): Uncertain significance. Review status: criteria provided, multiple submitters, no conflicts (2 of 4 stars). 2 submissions from 2 submitters: Uncertain significance (2). Last evaluated 2026-02-10.

Conditions:
Mitochondrial complex IV deficiency, nuclear type 17. Also called: Mitochondrial complex 4 deficiency, nuclear type 17. Identifiers: MedGen C5436718, MONDO:0033652, OMIM 619061.

Allele frequency attached by ClinVar (database versions not stated): TOPMed 0.00004.

Submissions (2):

GeneDx
Classification: Uncertain significance. Last evaluated: 2026-02-10. Review status: criteria provided, single submitter. Criteria: GeneDx Variant Classification Process June 2021. Collection method: clinical testing. Allele origin: germline.
Comment: Not observed at significant frequency in large population cohorts (gnomAD); In silico analysis supports that this missense variant has a deleterious effect on protein structure/function; In silico analysis supports a deleterious effect on splicing; Has not been previously published as pathogenic or benign to our knowledge

Fulgent Genetics
Classification: Uncertain significance for Mitochondrial complex IV deficiency, nuclear type 17. Last evaluated: 2022-02-03. Review status: criteria provided, single submitter. Criteria: ACMG Guidelines, 2015. Collection method: clinical testing. Allele origin: unknown.